The following is an entry in ClinVar:

ClinVar aggregate classification (germline): Conflicting classifications of pathogenicity. Review status: criteria provided, conflicting classifications (1 of 4 stars). 4 submissions from 4 submitters: Likely pathogenic (1); Uncertain significance (3). Last evaluated 2025-12-21.

Conditions:
Inborn genetic diseases. Identifiers: MedGen C0950123, MeSH D030342.
DDX41-related hematologic malignancy predisposition syndrome. Also called: DDX41-Associated Familial Myelodysplastic Syndrome and Acute Myeloid Leukemia; Myeloproliferative/lymphoproliferative neoplasms, familial (multiple types), susceptibility to. Identifiers: Orphanet 488647, MedGen C4225174, MONDO:0014809, OMIM 616871.

Allele frequency attached by ClinVar (database versions not stated): gnomAD 0.00001; gnomAD exomes 0.00001; ExAC 0.00002; TOPMed 0.00002.
gnomAD v4.1: 12 of 1,611,288 alleles (0.00074%); highest among the groups gnomAD compares: Admixed American, 0.0017%; no homozygotes.

Submissions (4):

Labcorp Genetics (formerly Invitae), Labcorp
Classification: Uncertain significance. Last evaluated: 2025-12-21. Review status: criteria provided, single submitter. Criteria: Invitae Variant Classification Sherloc (09022015). Collection method: clinical testing. Allele origin: germline.
Comment: This sequence change replaces alanine, which is neutral and non-polar, with valine, which is neutral and non-polar, at codon 270 of the DDX41 protein (p.Ala270Val). The frequency data for this variant in the population databases is considered unreliable, as metrics indicate poor data quality at this position in the gnomAD database. This missense change has been observed in individual(s) with myeloid neoplasm (PMID: 36322930, 36455200). ClinVar contains an entry for this variant (Variation ID: 1917434). An algorithm developed to predict the effect of missense changes on protein structure and function (PolyPhen-2) suggests that this variant is likely to be disruptive. In summary, the available evidence is currently insufficient to determine the role of this variant in disease. Therefore, it has been classified as a Variant of Uncertain Significance.

Ambry Genetics
Classification: Uncertain significance for Inborn genetic diseases. Last evaluated: 2025-02-28. Review status: criteria provided, single submitter. Criteria: Ambry Variant Classification Scheme 2023. Collection method: clinical testing. Allele origin: germline.
Comment: The p.A270V variant (also known as c.809C>T), located in coding exon 9 of the DDX41 gene, results from a C to T substitution at nucleotide position 809. The alanine at codon 270 is replaced by valine, an amino acid with similar properties. This amino acid position is highly conserved in available vertebrate species. In addition, this alteration is predicted to be deleterious by in silico analysis. Based on the available evidence, the clinical significance of this variant remains unclear.

Baylor Genetics
Classification: Uncertain significance for DDX41-related hematologic malignancy predisposition syndrome. Last evaluated: 2023-12-19. Review status: criteria provided, single submitter. Criteria: ACMG Guidelines, 2015. Collection method: clinical testing. Allele origin: unknown.

GeneDx
Classification: Likely pathogenic. Last evaluated: 2023-11-27. Review status: criteria provided, single submitter. Criteria: GeneDx Variant Classification Process June 2021. Collection method: clinical testing. Allele origin: germline. Affected: yes.
Comment: Not observed at significant frequency in large population cohorts (gnomAD); In silico analysis supports that this missense variant has a deleterious effect on protein structure/function; This variant is associated with the following publications: (PMID: 27721487, 36455200, 36923434, 37506341, 36322930, RoubinetM2023[article])

Literature cited by the submitters: PubMed 36322930 (cited by Labcorp Genetics (formerly Invitae), Labcorp and Ambry Genetics); PubMed 36455200 (cited by Labcorp Genetics (formerly Invitae), Labcorp).

NM_016222.4(DDX41):c.809C>T (p.Ala270Val)

Gene: DDX41 (DEAD-box helicase 41; minus strand). Cytogenetic location: 5q35.3.
Variant type: single nucleotide variant.
Coding change: c.809C>T on transcript NM_016222.4 (MANE Select); coding-DNA position 809, C replaced by T.
Protein change: p.Ala270Val; replaces alanine 270 with valine.
Molecular consequence: missense variant.
Genome position (GRCh38, 1-based): chr5:177,514,827, G>A on the plus strand (C>T on the coding strand, the complement: DDX41 is on the minus strand). VCF-style: chr5-177514827-G-A. GRCh37 (hg19) VCF-style: chr5-176941828-G-A.
Other names: c.431C>T, p.Ala144Val (NM_001321732.2, NM_001321830.2); c.809C>T (NM_016222.2); short protein forms A270V, A144V.
Identifiers: ClinVar variation 1917434 (VCV001917434.8), dbSNP rs745544108, ClinGen allele CA3585003.
Genomic context (GRCh38, chr5:177,514,827, plus strand): 5'-GGTGAGCTGTCCTCCTGCAGCAGGCGGCAGTAGTACTCCAGGATGCCATGGGTCTGCCGG[G>A]CCAGCTCCCGCTGCAGGCAGAGGGACAAAGGCTGGCACCAGATGGCAGCCCCAATCTCTG-3'
Protein context (NP_057306.2, residues 260-280): GLIICPSREL[Ala270Val]RQTHGILEYY